The following is an entry in ClinVar:

NM_002691.4(POLD1):c.2956G>A (p.Gly986Arg)

Gene: POLD1 (DNA polymerase delta 1, catalytic subunit; plus strand). Cytogenetic location: 19q13.33.
Variant type: single nucleotide variant.
Coding change: c.2956G>A on transcript NM_002691.4 (MANE Select); coding-DNA position 2956, G replaced by A.
Protein change: p.Gly986Arg; replaces glycine 986 with arginine.
Molecular consequence: missense variant. On other transcripts: non-coding transcript variant (1).
Genome position (GRCh38, 1-based): chr19:50,416,612, G>A. VCF-style: chr19-50416612-G-A. GRCh37 (hg19) VCF-style: chr19-50919869-G-A.
Other names: c.2956G>A, p.Gly986Arg (NM_001256849.1); c.3034G>A, p.Gly1012Arg (NM_001308632.1); c.2956G>A (NM_002691.2); short protein forms G1012R, G986R.
Identifiers: ClinVar variation 662507 (VCV000662507.9), dbSNP rs1601247278, ClinGen allele CA406986767.

ClinVar aggregate classification (germline): Uncertain significance. Review status: criteria provided, multiple submitters, no conflicts (2 of 4 stars). 2 submissions from 2 submitters: Uncertain significance (2). Last evaluated 2025-04-22.

Conditions:
Hereditary cancer-predisposing syndrome. Also called: Hereditary neoplastic syndrome; Tumor predisposition; Hereditary Cancer Syndrome; Neoplastic Syndromes, Hereditary. Identifiers: Orphanet 140162, MedGen C0027672, MeSH D009386, MONDO:0015356.
POLD1-related polyposis and colorectal cancer syndrome (CRCS10). Also called: Colorectal cancer, susceptibility to, 10; Colorectal cancer 10; COLORECTAL CANCER, SUSCEPTIBILITY TO, ON CHROMOSOME 19q. Identifiers: Orphanet 220460, MedGen C2675481, MONDO:0012953, OMIM 612591.

gnomAD v4.1: 1 of 1,560,996 alleles (0.000064%); highest among the groups gnomAD compares: Non-Finnish European, 0.000086%; no homozygotes.

Submissions (2):

Labcorp Genetics (formerly Invitae), Labcorp
Classification: Uncertain significance for POLD1-related polyposis and colorectal cancer syndrome. Last evaluated: 2025-04-22. Review status: criteria provided, single submitter. Criteria: Invitae Variant Classification Sherloc (09022015). Collection method: clinical testing. Allele origin: germline.
Comment: This sequence change replaces glycine, which is neutral and non-polar, with arginine, which is basic and polar, at codon 986 of the POLD1 protein (p.Gly986Arg). This variant is not present in population databases (gnomAD no frequency). This variant has not been reported in the literature in individuals affected with POLD1-related conditions. ClinVar contains an entry for this variant (Variation ID: 662507). An algorithm developed to predict the effect of missense changes on protein structure and function (PolyPhen-2) suggests that this variant is likely to be disruptive. In summary, the available evidence is currently insufficient to determine the role of this variant in disease. Therefore, it has been classified as a Variant of Uncertain Significance.

Ambry Genetics
Classification: Uncertain significance for Hereditary cancer-predisposing syndrome. Last evaluated: 2024-08-10. Review status: criteria provided, single submitter. Criteria: Ambry Variant Classification Scheme 2023. Collection method: clinical testing. Allele origin: germline.
Comment: The p.G986R variant (also known as c.2956G>A), located in coding exon 23 of the POLD1 gene, results from a G to A substitution at nucleotide position 2956. The glycine at codon 986 is replaced by arginine, an amino acid with dissimilar properties. This amino acid position is conserved. In addition, this alteration is predicted to be tolerated by in silico analysis. Based on the available evidence, the clinical significance of this variant remains unclear.